The following is an entry in ClinVar:

ClinVar aggregate classification (germline): Likely benign (1 of 4 stars; one submission).

Submission:

CeGaT Center for Human Genetics Tuebingen
Classification: Likely benign. Last evaluated: 2024-10-01. Review status: criteria provided, single submitter. Criteria: CeGaT Center For Human Genetics Tuebingen Variant Classification Criteria Version 2. Collection method: clinical testing. Allele origin: germline. Affected: yes. Observed: 1 variant allele.
Comment: MUC4: BP4, BP7

NM_018406.7(MUC4):c.7761A>C (p.Thr2587=)

Gene: MUC4 (mucin 4, cell surface associated). Cytogenetic location: 3q29.
Variant type: single nucleotide variant.
Coding change: c.7761A>C on transcript NM_018406.7 (MANE Select); coding-DNA position 7761, A replaced by C.
Protein change: p.Thr2587=; no amino-acid change (threonine 2587 retained).
Molecular consequence: synonymous variant. On other transcripts: intron variant (2).
Genome position (GRCh38, 1-based): chr3:195,783,819, T>G on the plus strand (A>C on the coding strand, the complement: MUC4 is on the minus strand). VCF-style: chr3-195783819-T-G. GRCh37 (hg19) VCF-style: chr3-195510690-T-G.
Other names: c.83-9514A>C (NM_138297.5); c.83-5364A>C (NM_004532.6).
Identifiers: ClinVar variation 3388450 (VCV003388450.14).